The following is an entry in ClinVar:

NM_020320.5(RARS2):c.1366C>T (p.Arg456Cys)

Gene: RARS2 (arginyl-tRNA synthetase 2, mitochondrial; minus strand). Cytogenetic location: 6q15.
Variant type: single nucleotide variant.
Coding change: c.1366C>T on transcript NM_020320.5 (MANE Select); coding-DNA position 1366, C replaced by T.
Protein change: p.Arg456Cys; replaces arginine 456 with cysteine.
Molecular consequence: missense variant. On other transcripts: non-coding transcript variant (23).
Genome position (GRCh38, 1-based): chr6:87,518,679, G>A on the plus strand (C>T on the coding strand, the complement: RARS2 is on the minus strand). VCF-style: chr6-87518679-G-A. GRCh37 (hg19) VCF-style: chr6-88228397-G-A.
Other names: p.R456C:CGC>TGC; c.841C>T, p.Arg281Cys (NM_001350507.2, NM_001350508.2, NM_001318785.2 and 4 more transcripts); c.1366C>T, p.Arg456Cys (NM_001350505.2); short protein forms R456C, R281C.
Identifiers: ClinVar variation 215068 (VCV000215068.21), dbSNP rs147844153, ClinGen allele CA322017.

ClinVar aggregate classification (germline): Conflicting classifications of pathogenicity. Review status: criteria provided, conflicting classifications (1 of 4 stars). 6 submissions from 6 submitters: Uncertain significance (2); Likely benign (3). 1 of the submissions does not count toward it. Last evaluated 2026-01-13.

Conditions:
Inborn genetic diseases. Identifiers: MedGen C0950123, MeSH D030342.
Pontocerebellar hypoplasia type 6 (PCH6). Identifiers: Orphanet 166073, MedGen C1969084, MONDO:0012683, OMIM 611523.

Allele frequency attached by ClinVar (database versions not stated): gnomAD 0.00011; gnomAD exomes 0.00013 and 0.00021; TOPMed 0.00016; ExAC 0.00022; ESP Exome Variant Server 0.00023.
gnomAD v4.1: 218 of 1,613,898 alleles (0.014%); highest among the groups gnomAD compares: Non-Finnish European, 0.0069%; no homozygotes.

Submissions (6):

Labcorp Genetics (formerly Invitae), Labcorp
Classification: Likely benign. Last evaluated: 2026-01-13. Review status: criteria provided, single submitter. Criteria: Invitae Variant Classification Sherloc (09022015). Collection method: clinical testing. Allele origin: germline.

Women's Health and Genetics/Laboratory Corporation of America, LabCorp
Classification: Likely benign. Last evaluated: 2025-10-01. Review status: criteria provided, single submitter. Criteria: LabCorp Variant Classification Summary - May 2015. Collection method: clinical testing. Allele origin: germline.
Comment: Variant summary: RARS2 c.1366C>T (p.Arg456Cys) results in a non-conservative amino acid change in the encoded protein sequence. Algorithms developed to predict the effect of missense changes on protein structure and function are either unavailable or do not agree on the potential impact of this missense change. The variant allele was found at a frequency of 0.00021 in 251174 control chromosomes, predominantly at a frequency of 0.0038 within the Ashkenazi Jewish subpopulation in the gnomAD database. The observed variant frequency within Ashkenazi Jewish control individuals in the gnomAD database exceeds the estimated maximal expected allele frequency for disease-causing variants in RARS2. To our knowledge, no occurrence of c.1366C>T in individuals affected with RARS2-related conditions and no experimental evidence demonstrating its impact on protein function have been reported. ClinVar contains an entry for this variant (Variation ID: 215068). Based on the evidence outlined above, the variant was classified as likely benign.

GeneDx
Classification: Uncertain significance. Last evaluated: 2023-07-27. Review status: criteria provided, single submitter. Criteria: GeneDx Variant Classification Process June 2021. Collection method: clinical testing. Allele origin: germline. Affected: yes.
Comment: In silico analysis supports that this missense variant has a deleterious effect on protein structure/function; Has not been previously reported as a pathogenic or benign variant to our knowledge

Ambry Genetics
Classification: Likely benign for Inborn genetic diseases. Last evaluated: 2022-01-14. Review status: criteria provided, single submitter. Criteria: Ambry Variant Classification Scheme 2023. Collection method: clinical testing. Allele origin: germline.

Illumina Laboratory Services, Illumina
Classification: Uncertain significance for Pontocerebellar hypoplasia type 6. Last evaluated: 2018-01-13. Review status: criteria provided, single submitter. Criteria: ICSL Variant Classification Criteria 13 December 2019. Collection method: clinical testing. Allele origin: germline.

Department of Pathology and Laboratory Medicine, Sinai Health System
Classification: Uncertain significance. Review status: no assertion criteria provided. Collection method: clinical testing. Allele origin: unknown. Affected: yes. Study: The Canadian Open Genetics Repository (COGR). Not counted in ClinVar's aggregate classification.
Comment: The RARS2 p.Arg281Cys variant was not identified in the literature nor was it identified in LOVD 3.0. The variant was identified in dbSNP (ID: rs147844153) and in ClinVar (classified as likely pathogenic by GeneDx and as a VUS by Illumina). The variant was also found in Cosmic with a FATHMM prediction of pathogenic (score=0.98). The variant was identified in control databases in 54 of 251174 chromosomes at a frequency of 0.000215 (Genome Aggregation Database Feb 27, 2017). The variant was observed in the following populations: Ashkenazi Jewish in 38 of 10070 chromosomes (freq: 0.003774), Other in 5 of 6128 chromosomes (freq: 0.000816), European (non-Finnish) in 10 of 113504 chromosomes (freq: 0.000088) and Latino in 1 of 34582 chromosomes (freq: 0.000029), while the variant was not observed in the African, East Asian, European (Finnish) and South Asian populations. The variant occurs outside of the splicing consensus sequence and in silico or computational prediction software programs (SpliceSiteFinder, MaxEntScan, NNSPLICE, GeneSplicer) do not predict a difference in splicing. The p.Arg281 residue is conserved in mammals but not in more distantly related organisms, and computational analyses (PolyPhen-2, SIFT, AlignGVGD, BLOSUM, MutationTaster) suggest that the variant may impact the protein; however, this information is not predictive enough to assume pathogenicity. In summary, based on the above information the clinical significance of this variant cannot be determined with certainty at this time. This variant is classified as a variant of uncertain significance.